The following is an entry in ClinVar:

NM_002890.3(RASA1):c.2683GTT[1] (p.Val896del)

Genes: CCNH (cyclin H; minus strand), RASA1 (RAS p21 protein activator 1; plus strand). Cytogenetic location: 5q14.3.
Variant type: Microsatellite.
Coding change: c.2683GTT[1] on transcript NM_002890.3 (MANE Select); one copy of the 3-base unit GTT starting at c.2683; the reference has two copies in a row; one copy, 3 bases deleted.
Protein change: p.Val896del; deletes valine 896.
Molecular consequence: inframe deletion. On other transcripts: intron variant (1).
Genome position (GRCh38, 1-based): chr5:87,380,591-87,380,593, GTT deleted; deleting any 3 consecutive bases within chr5:87,380,588-87,380,593 gives the same sequence; the position shown is the placement nearest the transcript's 3' end. VCF-style (leftmost placement, unchanged base first): chr5-87380587-AGTT-A. GRCh37 (hg19) VCF-style: chr5-86676404-AGTT-A.
Other names: c.2152GTT[1], p.Val719del (NM_022650.3); c.933+14454_933+14456del (NM_001364075.2); short protein forms V896del, V719del.
Identifiers: ClinVar variation 4724486 (VCV004724486.1).

ClinVar aggregate classification (germline): Uncertain significance (1 of 4 stars; one submission).

Conditions:
Capillary malformation-arteriovenous malformation syndrome. Also called: Capillary malformation-arteriovenous malformation. Identifiers: Orphanet 137667, MedGen C1842180, MONDO:0012016.

Submission:

Labcorp Genetics (formerly Invitae), Labcorp
Classification: Uncertain significance for Capillary malformation-arteriovenous malformation syndrome. Last evaluated: 2025-07-30. Review status: criteria provided, single submitter. Criteria: Invitae Variant Classification Sherloc (09022015). Collection method: clinical testing. Allele origin: germline.
Comment: This variant, c.2686_2688del, results in the deletion of 1 amino acid(s) of the RASA1 protein (p.Val896del), but otherwise preserves the integrity of the reading frame. This variant is not present in population databases (gnomAD no frequency). This variant has not been reported in the literature in individuals affected with RASA1-related conditions. Experimental studies and prediction algorithms are not available or were not evaluated, and the functional significance of this variant is currently unknown. In summary, the available evidence is currently insufficient to determine the role of this variant in disease. Therefore, it has been classified as a Variant of Uncertain Significance.